The following is an entry in ClinVar:

ClinVar aggregate classification (germline): Pathogenic (1 of 4 stars; one submission).

Submission:

ISCA site 4
Classification: Pathogenic. Last evaluated: 2011-08-12. Review status: criteria provided, single submitter. Criteria: Kaminsky et al. (Genet Med. 2011). Collection method: clinical testing. Allele origin: maternal. Affected: yes. Observed: 1 variant allele.
Comment: Copy number variation identified through the course of routine clinical cytogenomic testing in postnatal populations. Clinical assertions have been curated as described in Kaminsky et al. 2011.

GRCh38/hg38 4q34.1-34.3(chr4:175013055-181652375)x1

Genes: AGA (aspartylglucosaminidase; minus strand), AGA-DT (AGA divergent transcript; plus strand), ASB5 (ankyrin repeat and SOCS box containing 5; minus strand), GPM6A (glycoprotein M6A; minus strand), GPM6A-AS1 (GPM6A antisense RNA 1; plus strand) and 57 more. Cytogenetic location: 4q34.1-34.3.
Variant type: copy number loss.
Change: copy number 1 (one copy instead of two) of chr4:175,013,055-181,652,375 (6.64 Mb, GRCh38 coordinates, 1-based), cytogenetic band 4q34.1-34.3.
Identifiers: ClinVar variation 59513 (VCV000059513.1).